The following is an entry in ClinVar:

ClinVar aggregate classification (germline): Likely pathogenic (1 of 4 stars; one submission).

Conditions:
Exudative vitreoretinopathy 6 (EVR6). Identifiers: Orphanet 891, MedGen C4225316, MONDO:0014652, OMIM 616468.

gnomAD v4.1: 8 of 1,613,930 alleles (0.0005%); highest among the groups gnomAD compares: Non-Finnish European, 0.00068%; no homozygotes.

Submission:

Centre for Mendelian Genomics, University Medical Centre Ljubljana
Classification: Likely pathogenic for Exudative vitreoretinopathy 6. Last evaluated: 2019-09-24. Review status: criteria provided, single submitter. Criteria: ACMG Guidelines, 2015. Collection method: clinical testing. Allele origin: unknown. Affected: yes.
Comment: This variant was classified as: Likely pathogenic. The following ACMG criteria were applied in classifying this variant: PVS1,PM2.

NM_024741.3(ZNF408):c.943C>T (p.Gln315Ter)

Gene: ZNF408 (zinc finger protein 408; plus strand). Cytogenetic location: 11p11.2.
Variant type: single nucleotide variant.
Coding change: c.943C>T on transcript NM_024741.3 (MANE Select); coding-DNA position 943, C replaced by T.
Protein change: p.Gln315Ter; replaces glutamine 315 with a stop codon.
Molecular consequence: nonsense.
Genome position (GRCh38, 1-based): chr11:46,704,643, C>T. VCF-style: chr11-46704643-C-T. GRCh37 (hg19) VCF-style: chr11-46726193-C-T.
Other names: c.919C>T, p.Gln307Ter (NM_001184751.2); short protein forms Q307*, Q315*.
Identifiers: ClinVar variation 931150 (VCV000931150.3), dbSNP rs1565695139, ClinGen allele CA380254514.
Genomic context (GRCh38, chr11:46,704,643, plus strand): 5'-TCTGCCAGGGGCACCCAGCCGCATGGCTACCTGGCCAAGAAGTTACACAGCCCCAGTGAT[C>T]AGTGCCCACCCAGAGCAAAGACCCCAGAGCCTGGAGCCCAGCAGTCTGGCTTCCCTACAC-3'